The following is an entry in ClinVar:

ClinVar aggregate classification (germline): Uncertain significance (1 of 4 stars; one submission).

Allele frequency attached by ClinVar (database versions not stated): gnomAD exomes below 0.00001.
gnomAD v4.1: 1 of 1,607,408 alleles (0.000062%); highest among the groups gnomAD compares: South Asian, 0.0011%; no homozygotes.

Submission:

Labcorp Genetics (formerly Invitae), Labcorp
Classification: Uncertain significance. Last evaluated: 2022-03-11. Review status: criteria provided, single submitter. Criteria: Invitae Variant Classification Sherloc (09022015). Collection method: clinical testing. Allele origin: germline.
Comment: In summary, the available evidence is currently insufficient to determine the role of this variant in disease. Therefore, it has been classified as a Variant of Uncertain Significance. Algorithms developed to predict the effect of missense changes on protein structure and function (SIFT, PolyPhen-2, Align-GVGD) all suggest that this variant is likely to be tolerated. This variant has not been reported in the literature in individuals affected with DIP2C-related conditions. This variant is not present in population databases (gnomAD no frequency). This sequence change replaces proline, which is neutral and non-polar, with serine, which is neutral and polar, at codon 1131 of the DIP2C protein (p.Pro1131Ser).

NM_014974.3(DIP2C):c.3391C>T (p.Pro1131Ser)

Genes: DIP2C (DIP2 acetate--CoA ligase C (putative); minus strand), LOC126860805 (BRD4-independent group 4 enhancer GRCh37_chr10:390524-391723; plus strand). Cytogenetic location: 10p15.3.
Variant type: single nucleotide variant.
Coding change: c.3391C>T on transcript NM_014974.3 (MANE Select); coding-DNA position 3391, C replaced by T.
Protein change: p.Pro1131Ser; replaces proline 1131 with serine.
Molecular consequence: missense variant.
Genome position (GRCh38, 1-based): chr10:344,871, G>A on the plus strand (C>T on the coding strand, the complement: DIP2C is on the minus strand). VCF-style: chr10-344871-G-A. GRCh37 (hg19) VCF-style: chr10-390811-G-A.
Other names: short protein forms P1131S.
Identifiers: ClinVar variation 1495927 (VCV001495927.6), dbSNP rs2132588555, ClinGen allele CA375830027.